The following is an entry in ClinVar:

NM_145059.3(FCSK):c.1363C>A (p.Leu455Ile)

Gene: FCSK (fucose kinase; plus strand). Cytogenetic location: 16q22.1.
Variant type: single nucleotide variant.
Coding change: c.1363C>A on transcript NM_145059.3 (MANE Select); coding-DNA position 1363, C replaced by A.
Protein change: p.Leu455Ile; replaces leucine 455 with isoleucine.
Molecular consequence: missense variant.
Genome position (GRCh38, 1-based): chr16:70,472,562, C>A. VCF-style: chr16-70472562-C-A. GRCh37 (hg19) VCF-style: chr16-70506465-C-A.
Other names: short protein forms L455I.
Identifiers: ClinVar variation 2120292 (VCV002120292.4), dbSNP rs1209549223, ClinGen allele CA396569913.

ClinVar aggregate classification (germline): Uncertain significance (1 of 4 stars; one submission).

Allele frequency attached by ClinVar (database versions not stated): gnomAD exomes below 0.00001.
gnomAD v4.1: 4 of 1,613,238 alleles (0.00025%); highest among the groups gnomAD compares: Non-Finnish European, 0.00034%; no homozygotes.

Submission:

Labcorp Genetics (formerly Invitae), Labcorp
Classification: Uncertain significance. Last evaluated: 2025-02-24. Review status: criteria provided, single submitter. Criteria: Invitae Variant Classification Sherloc (09022015). Collection method: clinical testing. Allele origin: germline.
Comment: This sequence change replaces leucine, which is neutral and non-polar, with isoleucine, which is neutral and non-polar, at codon 455 of the FUK protein (p.Leu455Ile). This variant is present in population databases (no rsID available, gnomAD 0.002%). This variant has not been reported in the literature in individuals affected with FUK-related conditions. ClinVar contains an entry for this variant (Variation ID: 2120292). An algorithm developed to predict the effect of missense changes on protein structure and function (PolyPhen-2) suggests that this variant is likely to be disruptive. In summary, the available evidence is currently insufficient to determine the role of this variant in disease. Therefore, it has been classified as a Variant of Uncertain Significance.